The following is an entry in ClinVar:

ClinVar aggregate classification (germline): Uncertain significance (1 of 4 stars; one submission).

Conditions:
Aortic valve disease 2 (AOVD2). Identifiers: MedGen C3542024, MONDO:0013902, OMIM 614823.

Submission:

Labcorp Genetics (formerly Invitae), Labcorp
Classification: Uncertain significance for Aortic valve disease 2. Last evaluated: 2025-11-08. Review status: criteria provided, single submitter. Criteria: Invitae Variant Classification Sherloc (09022015). Collection method: clinical testing. Allele origin: germline.
Comment: This sequence change creates a premature translational stop signal (p.Tyr177Argfs*3) in the SMAD6 gene. It is expected to result in an absent or disrupted protein product. However, the current clinical and genetic evidence is not sufficient to establish whether loss-of-function variants in SMAD6 cause disease. This variant is not present in population databases (gnomAD no frequency). This variant has not been reported in the literature in individuals affected with SMAD6-related conditions. In summary, the available evidence is currently insufficient to determine the role of this variant in disease. Therefore, it has been classified as a Variant of Uncertain Significance.

NM_005585.5(SMAD6):c.528_531del (p.Tyr177fs)

Gene: SMAD6 (SMAD family member 6; plus strand). Cytogenetic location: 15q22.31.
Variant type: Deletion.
Coding change: c.528_531del on transcript NM_005585.5 (MANE Select); coding-DNA positions 528 to 531, 4 bases deleted (GTAC; older notation c.528_531delGTAC).
Protein change: p.Tyr177fs; shifts the reading frame from tyrosine 177.
Molecular consequence: frameshift variant. On other transcripts: non-coding transcript variant (1).
Genome position (GRCh38, 1-based): chr15:66,703,786-66,703,789, GTAC deleted; deleting any 4 consecutive bases within chr15:66,703,784-66,703,789 gives the same sequence; the c. name uses the placement nearest the transcript's 3' end. VCF-style (leftmost placement, unchanged base first): chr15-66703783-CACGT-C. GRCh37 (hg19) VCF-style: chr15-66996121-CACGT-C.
Other names: short protein forms Y177fs.
Identifiers: ClinVar variation 4711474 (VCV004711474.1).